The following is an entry in ClinVar:

NM_001868.4(CPA1):c.839C>T (p.Ala280Val)

Gene: CPA1 (carboxypeptidase A1; plus strand). Cytogenetic location: 7q32.2.
Variant type: single nucleotide variant.
Coding change: c.839C>T on transcript NM_001868.4 (MANE Select); coding-DNA position 839, C replaced by T.
Protein change: p.Ala280Val; replaces alanine 280 with valine.
Molecular consequence: missense variant.
Genome position (GRCh38, 1-based): chr7:130,385,197, C>T. VCF-style: chr7-130385197-C-T. GRCh37 (hg19) VCF-style: chr7-130025038-C-T.
Other names: short protein forms A280V.
Identifiers: ClinVar variation 2448254 (VCV002448254.2), dbSNP rs782776885, ClinGen allele CA4484975.

ClinVar aggregate classification (germline): Uncertain significance (1 of 4 stars; one submission).

Conditions:
Hereditary pancreatitis (PCTT). Also called: Hereditary chronic pancreatitis; PRSS1-Related Hereditary Pancreatitis. Identifiers: Orphanet 676, MedGen C0238339, MONDO:0008185, OMIM 167800.

Allele frequency attached by ClinVar (database versions not stated): ExAC 0.00001.
gnomAD v4.1: 1 of 1,614,126 alleles (0.000062%); highest among the groups gnomAD compares: African/African-American, 0.0013%; no homozygotes.

Submission:

Ambry Genetics
Classification: Uncertain significance for Hereditary pancreatitis. Last evaluated: 2022-11-03. Review status: criteria provided, single submitter. Criteria: Ambry Variant Classification Scheme 2023. Collection method: clinical testing. Allele origin: germline.
Comment: The p.A280V variant (also known as c.839C>T), located in coding exon 8 of the CPA1 gene, results from a C to T substitution at nucleotide position 839. The alanine at codon 280 is replaced by valine, an amino acid with similar properties. This amino acid position is conserved. In addition, this alteration is predicted to be tolerated by in silico analysis. Since supporting evidence is limited at this time, the clinical significance of this alteration remains unclear.